The following is an entry in ClinVar:

ClinVar aggregate classification (germline): Conflicting classifications of pathogenicity. Review status: criteria provided, conflicting classifications (1 of 4 stars). 3 submissions from 3 submitters: Uncertain significance (2); Likely benign (1). Last evaluated 2025-07-14.

Conditions:
Autosomal dominant hypocalcemia 1 (HYPOC1). Also called: HYPOCALCEMIA, FAMILIAL. Identifiers: MedGen C3715128, MONDO:0011013, OMIM 601198.
Familial hypocalciuric hypercalcemia (FHH). Also called: Familial benign hypercalcemia. Identifiers: Orphanet 405, MedGen C1809471, MONDO:0018458.
Neonatal severe primary hyperparathyroidism. Identifiers: Orphanet 417, MedGen C1832615, MONDO:0009397, OMIM 239200.
Epilepsy, idiopathic generalized, susceptibility to, 8. Identifiers: MedGen C2752062, MONDO:0013032, OMIM 612899.
Familial hypocalciuric hypercalcemia 1. Also called: Hypercalcemia, familial benign type 1. Identifiers: Orphanet 405, Orphanet 93372, MedGen C0342637, MONDO:0007791, OMIM 145980.
Nephrolithiasis/nephrocalcinosis. Identifiers: MedGen CN580796.

Allele frequency attached by ClinVar (database versions not stated): gnomAD 0.00002; TOPMed 0.00006.
gnomAD v4.1: 6 of 1,613,856 alleles (0.00037%); highest among the groups gnomAD compares: African/African-American, 0.0053%; no homozygotes.

Submissions (3):

Labcorp Genetics (formerly Invitae), Labcorp
Classification: Likely benign for Familial hypocalciuric hypercalcemia; Autosomal dominant hypocalcemia 1. Last evaluated: 2025-07-14. Review status: criteria provided, single submitter. Criteria: Invitae Variant Classification Sherloc (09022015). Collection method: clinical testing. Allele origin: germline.

Ambry Genetics
Classification: Uncertain significance for Nephrolithiasis/nephrocalcinosis. Last evaluated: 2024-04-08. Review status: criteria provided, single submitter. Criteria: Ambry Variant Classification Scheme 2023. Collection method: clinical testing. Allele origin: germline.
Comment: The p.R896H variant (also known as c.2687G>A), located in coding exon 6 of the CASR gene, results from a G to A substitution at nucleotide position 2687. The arginine at codon 896 is replaced by histidine, an amino acid with highly similar properties. This variant has been detected in a proband with chronic pancreatitis (CP) who also had SPINK1 p.N34S. Relatives with only CASR p.R896H were not reported to have CP (Felderbauer P et al. Scand. J. Gastroenterol., 2006 Mar;41:343-8). One experimental study demonstrated this variant increased targeting to the plasma membrane and increased extracellular Ca2+-stimulated ERK1/2 phosphorylation compared to WT, which suggests potential gain-of-function; however, evidence is limited (Stepanchick A et al. Cell. Physiol. Biochem., 2010 Aug;26:363-74). This amino acid position is highly conserved in available vertebrate species. In addition, the in silico prediction for this alteration is inconclusive. Since supporting evidence is limited at this time, the clinical significance of this alteration remains unclear.

Fulgent Genetics
Classification: Uncertain significance for Familial hypocalciuric hypercalcemia 1; Neonatal severe primary hyperparathyroidism; Autosomal dominant hypocalcemia 1; Epilepsy, idiopathic generalized, susceptibility to, 8. Last evaluated: 2022-02-25. Review status: criteria provided, single submitter. Criteria: ACMG Guidelines, 2015. Collection method: clinical testing. Allele origin: unknown.

Literature cited by the submitters: PubMed 16497624 (cited by Ambry Genetics); PubMed 20798521 (cited by Ambry Genetics).

NM_000388.4(CASR):c.2687G>A (p.Arg896His)

Gene: CASR (calcium sensing receptor; plus strand). Cytogenetic location: 3q21.1.
Variant type: single nucleotide variant.
Coding change: c.2687G>A on transcript NM_000388.4 (MANE Select); coding-DNA position 2687, G replaced by A.
Protein change: p.Arg896His; replaces arginine 896 with histidine.
Molecular consequence: missense variant.
Genome position (GRCh38, 1-based): chr3:122,284,641, G>A. VCF-style: chr3-122284641-G-A. GRCh37 (hg19) VCF-style: chr3-122003488-G-A.
Other names: c.2717G>A, p.Arg906His (NM_001178065.2); short protein forms R896H, R906H.
Identifiers: ClinVar variation 410364 (VCV000410364.16), dbSNP rs773552397, ClinGen allele CA16611132.